The following is an entry in ClinVar:

NM_012280.4(FTSJ1):c.769G>A (p.Gly257Ser)

Gene: FTSJ1 (FtsJ RNA 2'-O-methyltransferase 1; plus strand). Cytogenetic location: Xp11.23.
Variant type: single nucleotide variant.
Coding change: c.769G>A on transcript NM_012280.4 (MANE Select); coding-DNA position 769, G replaced by A.
Protein change: p.Gly257Ser; replaces glycine 257 with serine.
Molecular consequence: missense variant.
Genome position (GRCh38, 1-based): chrX:48,482,606, G>A. VCF-style: chrX-48482606-G-A. GRCh37 (hg19) VCF-style: chrX-48340994-G-A.
Other names: c.358G>A, p.Gly120Ser (NM_001282157.2); c.763G>A, p.Gly255Ser (NM_177439.3); short protein forms G120S, G255S, G257S.
Identifiers: ClinVar variation 916049 (VCV000916049.5), dbSNP rs782303332, ClinGen allele CA10402631.

ClinVar aggregate classification (germline): Uncertain significance. Review status: criteria provided, multiple submitters, no conflicts (2 of 4 stars). 3 submissions from 3 submitters: Uncertain significance (3). Last evaluated 2025-12-30.

Conditions:
Inborn genetic diseases. Identifiers: MedGen C0950123, MeSH D030342.

Allele frequency attached by ClinVar (database versions not stated): gnomAD 0.00005; TOPMed 0.00006; ExAC below 0.00001; gnomAD exomes 0.00001.

Submissions (3):

Ambry Genetics
Classification: Uncertain significance for Inborn genetic diseases. Last evaluated: 2025-12-30. Review status: criteria provided, single submitter. Criteria: Ambry Variant Classification Scheme 2023. Collection method: clinical testing. Allele origin: germline.
Comment: The c.769G>A (p.G257S) alteration is located in exon 11 (coding exon 10) of the FTSJ1 gene. This alteration results from a G to A substitution at nucleotide position 769, causing the glycine (G) at amino acid position 257 to be replaced by a serine (S). Based on data from gnomAD, the A allele has an overall frequency of <0.001% (0/160751) total alleles studied. The highest observed frequency was <0.001% (/) of alleles. Based on insufficient or conflicting evidence, the clinical significance of this alteration remains unclear.

Laboratory of Molecular Genetics (Pr. Bezieau's lab), CHU de Nantes
Classification: Uncertain significance. Last evaluated: 2019-02-13. Review status: criteria provided, single submitter. Criteria: ACMG Guidelines, 2015. Collection method: clinical testing. Allele origin: germline. Affected: yes.

Breakthrough Genomics
Classification: Uncertain significance. Review status: criteria provided, single submitter. Criteria: ACMG Guidelines, 2015. Collection method: not provided. Allele origin: germline. Inheritance: X-linked recessive inheritance. Affected: yes.